The following is an entry in ClinVar:

NM_000181.4(GUSB):c.1350C>T (p.Asn450=)

Gene: GUSB (glucuronidase beta; minus strand). Cytogenetic location: 7q11.21.
Variant type: single nucleotide variant.
Coding change: c.1350C>T on transcript NM_000181.4 (MANE Select); coding-DNA position 1350, C replaced by T.
Protein change: p.Asn450=; no amino-acid change (asparagine 450 retained).
Molecular consequence: synonymous variant. On other transcripts: non-coding transcript variant (1).
Genome position (GRCh38, 1-based): chr7:65,974,336, G>A on the plus strand (C>T on the coding strand, the complement: GUSB is on the minus strand). VCF-style: chr7-65974336-G-A. GRCh37 (hg19) VCF-style: chr7-65439323-G-A.
Other names: c.912C>T, p.Asn304= (NM_001284290.2); c.780C>T, p.Asn260= (NM_001293104.2); c.693C>T, p.Asn231= (NM_001293105.2).
Identifiers: ClinVar variation 2048986 (VCV002048986.27), dbSNP rs376567545, ClinGen allele CA4276299.

ClinVar aggregate classification (germline): Likely benign. Review status: criteria provided, multiple submitters, no conflicts (2 of 4 stars). 2 submissions from 2 submitters: Likely benign (2). Last evaluated 2024-11-11.

Conditions:
Mucopolysaccharidosis type 7 (MPS7). Also called: SLY SYNDROME; BETA-GLUCURONIDASE DEFICIENCY; GUSB DEFICIENCY; MPS VII. Identifiers: Orphanet 584, MedGen C0085132, MONDO:0009662, OMIM 253220.

Allele frequency attached by ClinVar (database versions not stated): gnomAD exomes 0.00002; ESP Exome Variant Server 0.00008; 1000 Genomes Project 30x 0.00016; 1000 Genomes Project 0.00020.
gnomAD v4.1: 30 of 1,614,146 alleles (0.0019%); highest among the groups gnomAD compares: Admixed American, 0.005%; no homozygotes.

Submissions (2):

Labcorp Genetics (formerly Invitae), Labcorp
Classification: Likely benign for Mucopolysaccharidosis type 7. Last evaluated: 2024-11-11. Review status: criteria provided, single submitter. Criteria: Invitae Variant Classification Sherloc (09022015). Collection method: clinical testing. Allele origin: germline.

CeGaT Center for Human Genetics Tuebingen
Classification: Likely benign. Last evaluated: 2023-11-01. Review status: criteria provided, single submitter. Criteria: CeGaT Center For Human Genetics Tuebingen Variant Classification Criteria Version 2. Collection method: clinical testing. Allele origin: germline. Affected: yes. Observed: 1 variant allele.
Comment: GUSB: BP4, BP7